The following is an entry in ClinVar:

ClinVar aggregate classification (germline): Likely pathogenic (1 of 4 stars; one submission).

Conditions:
Platelet-type bleeding disorder 10. Also called: CD36 DEFICIENCY. Identifiers: MedGen C1842090, MONDO:0012031, OMIM 608404.

Submission:

Juno Genomics, Hangzhou Juno Genomics, Inc
Classification: Likely pathogenic for Platelet-type bleeding disorder 10. Review status: criteria provided, single submitter. Criteria: ACMG Guidelines, 2015. Collection method: clinical testing. Allele origin: germline.
Comment: Absent from controls (or at extremely low frequency if recessive) in Genome Aggregation Database.;Null variant in a gene where loss of function (LOF) is a known mechanism of disease.

NM_001001548.3(CD36):c.560dup (p.Leu187fs)

Gene: CD36 (CD36 molecule (CD36 blood group); plus strand). Cytogenetic location: 7q21.11.
Variant type: Duplication.
Coding change: c.560dup on transcript NM_001001548.3 (MANE Select); coding-DNA position 560, one base duplicated (T; older notation c.560dupT).
Protein change: p.Leu187fs; shifts the reading frame from leucine 187.
Molecular consequence: frameshift variant. On other transcripts: non-coding transcript variant (1), intron variant (1).
Genome position (GRCh38, 1-based): chr7:80,663,120, T duplicated; the last of 5 consecutive T bases (chr7:80,663,116-80,663,120); duplicating any one gives the same sequence. VCF-style (leftmost placement, unchanged base first): chr7-80663115-A-AT. GRCh37 (hg19) VCF-style: chr7-80292431-A-AT.
Other names: c.560dup, p.Leu187fs (NM_000072.3, NM_001001547.3, NM_001127443.2 and 6 more transcripts); c.332dup, p.Leu111fs (NM_001289911.2); c.458dup, p.Leu153fs (NM_001371079.1); c.95dup, p.Leu32fs (NM_001371080.1, NM_001371081.1); c.430-1286dup (NM_001289909.1); short protein forms L111fs, L153fs, L187fs, L32fs.
Identifiers: ClinVar variation 5019776 (VCV005019776.2).